The following is an entry in ClinVar:

ClinVar aggregate classification (germline): Uncertain significance (1 of 4 stars; one submission).

Conditions:
Nemaline myopathy 2 (NEM2). Also called: Nemaline myopathy 2, autosomal recessive. Identifiers: MedGen C1850569, MONDO:0009725, OMIM 256030.

Submission:

Labcorp Genetics (formerly Invitae), Labcorp
Classification: Uncertain significance for Nemaline myopathy 2. Last evaluated: 2022-07-15. Review status: criteria provided, single submitter. Criteria: Invitae Variant Classification Sherloc (09022015). Collection method: clinical testing. Allele origin: germline.
Comment: This variant is not present in population databases (gnomAD no frequency). In summary, the available evidence is currently insufficient to determine the role of this variant in disease. Therefore, it has been classified as a Variant of Uncertain Significance. Algorithms developed to predict the effect of missense changes on protein structure and function are either unavailable or do not agree on the potential impact of this missense change (SIFT: "Deleterious"; PolyPhen-2: "Not Available"; Align-GVGD: "Class C0"). This variant has not been reported in the literature in individuals affected with NEB-related conditions. This sequence change replaces serine, which is neutral and polar, with asparagine, which is neutral and polar, at codon 7862 of the NEB protein (p.Ser7862Asn).

NM_001164508.2(NEB):c.23480G>A (p.Ser7827Asn)

Genes: NEB (nebulin; minus strand), RIF1 (replication timing regulatory factor 1; plus strand). Cytogenetic location: 2q23.3.
Variant type: single nucleotide variant.
Coding change: c.23480G>A on transcript NM_001164508.2 (MANE Select); coding-DNA position 23480, G replaced by A.
Protein change: p.Ser7827Asn; replaces serine 7827 with asparagine.
Molecular consequence: missense variant.
Genome position (GRCh38, 1-based): chr2:151,506,985, C>T on the plus strand (G>A on the coding strand, the complement: NEB is on the minus strand). VCF-style: chr2-151506985-C-T. GRCh37 (hg19) VCF-style: chr2-152363499-C-T.
Other names: c.23480G>A, p.Ser7827Asn (NM_001164507.2); c.23585G>A, p.Ser7862Asn (NM_001271208.2); c.18377G>A, p.Ser6126Asn (NM_004543.5); short protein forms S7862N, S6126N, S7827N.
Identifiers: ClinVar variation 2106979 (VCV002106979.4), dbSNP rs2552010020, ClinGen allele CA348784753.